The following is an entry in ClinVar:

NM_080680.3(COL11A2):c.1019dup (p.Pro340_Glu341insTer)

Gene: COL11A2 (collagen type XI alpha 2 chain; minus strand). Cytogenetic location: 6p21.32.
Variant type: Duplication.
Coding change: c.1019dup on transcript NM_080680.3 (MANE Select); coding-DNA position 1019, one base duplicated (C; older notation c.1019dupC).
Protein change: p.Pro340_Glu341insTer.
Molecular consequence: frameshift variant. On other transcripts: intron variant (2).
Genome position (GRCh38, 1-based): chr6:33,184,245, G duplicated on the plus strand (C on the coding strand, the reverse complement: COL11A2 is on the minus strand); the first of 6 consecutive G bases (chr6:33,184,245-33,184,250); duplicating any one gives the same sequence. VCF-style (leftmost placement, unchanged base first): chr6-33184244-A-AG. GRCh37 (hg19) VCF-style: chr6-33152021-A-AG.
Other names: c.798+2382dup (NM_080679.3); c.861+747dup (NM_080681.3).
Identifiers: ClinVar variation 1934396 (VCV001934396.8), dbSNP rs1772090962, ClinGen allele CA1619902403.
Genomic context (GRCh38, chr6:33,184,244, plus strand): 5'-AAGCTCTGTCTCCTCACGATAATCATCCCCATAGCCATAGGTGTAATCGTAGGGCCCTTC[A>AG]GGGGGGTCTGTGCCACCCTCCCCATATTCCTCTGCCTGGAACCTGTCGGCTGTGGGGGGG-3'

ClinVar aggregate classification (germline): Pathogenic/Likely pathogenic. Review status: criteria provided, multiple submitters, no conflicts (2 of 4 stars). 2 submissions from 2 submitters: Pathogenic (1); Likely pathogenic (1). Last evaluated 2023-08-29.

Submissions (2):

Labcorp Genetics (formerly Invitae), Labcorp
Classification: Pathogenic. Last evaluated: 2023-08-29. Review status: criteria provided, single submitter. Criteria: Invitae Variant Classification Sherloc (09022015). Collection method: clinical testing. Allele origin: germline.
Comment: For these reasons, this variant has been classified as Pathogenic. Algorithms developed to predict the effect of sequence changes on RNA splicing suggest that this variant may disrupt the consensus splice site. ClinVar contains an entry for this variant (Variation ID: 1934396). This variant has not been reported in the literature in individuals affected with COL11A2-related conditions. This variant is not present in population databases (gnomAD no frequency). This sequence change creates a premature translational stop signal (p.Glu341*) in the COL11A2 gene. It is expected to result in an absent or disrupted protein product. Loss-of-function variants in COL11A2 are known to be pathogenic (PMID: 10677296, 21204229).

Revvity Omics, Revvity
Classification: Likely pathogenic. Last evaluated: 2022-03-10. Review status: criteria provided, single submitter. Criteria: ACMG Guidelines, 2015. Collection method: clinical testing. Allele origin: germline.

Literature cited by the submitters: PubMed 10677296 (cited by Labcorp Genetics (formerly Invitae), Labcorp); PubMed 21204229 (cited by Labcorp Genetics (formerly Invitae), Labcorp).